The following is an entry in ClinVar:

ClinVar aggregate classification (germline): Likely benign. Review status: criteria provided, multiple submitters, no conflicts (2 of 4 stars). 4 submissions from 4 submitters: Likely benign (3). 1 of the submissions does not count toward it. Last evaluated 2025-06-12.

Conditions:
ACTN4-related disorder. Also called: ACTN4-related condition.
Focal segmental glomerulosclerosis 1 (FSGS1). Identifiers: Orphanet 656, MedGen C4551527, MONDO:0011303, OMIM 603278.

Allele frequency attached by ClinVar (database versions not stated): ExAC 0.00015; gnomAD exomes 0.00015 and 0.00021; gnomAD 0.00020 and 0.00022; TOPMed 0.00022; ESP Exome Variant Server 0.00031.
gnomAD v4.1: 340 of 1,612,636 alleles (0.021%); highest among the groups gnomAD compares: African/African-American, 0.036%; no homozygotes.

Submissions (4):

Labcorp Genetics (formerly Invitae), Labcorp
Classification: Likely benign. Last evaluated: 2025-06-12. Review status: criteria provided, single submitter. Criteria: Invitae Variant Classification Sherloc (09022015). Collection method: clinical testing. Allele origin: germline.

Fulgent Genetics
Classification: Likely benign for Focal segmental glomerulosclerosis 1. Last evaluated: 2022-02-07. Review status: criteria provided, single submitter. Criteria: ACMG Guidelines, 2015. Collection method: clinical testing. Allele origin: unknown.

Breakthrough Genomics
Classification: Likely benign. Review status: criteria provided, single submitter. Criteria: ACMG Guidelines, 2015. Collection method: not provided. Allele origin: germline. Inheritance: Autosomal dominant inheritance. Affected: yes.

PreventionGenetics, part of Exact Sciences
Classification: Likely benign for ACTN4-related condition. Last evaluated: 2019-11-19. Review status: no assertion criteria provided. Collection method: clinical testing. Allele origin: germline. Not counted in ClinVar's aggregate classification.
Comment: This variant is classified as likely benign based on ACMG/AMP sequence variant interpretation guidelines (Richards et al. 2015 PMID: 25741868, with internal and published modifications).

NM_004924.6(ACTN4):c.2673C>T (p.Ala891=)

Gene: ACTN4 (actinin alpha 4; plus strand). Cytogenetic location: 19q13.2.
Variant type: single nucleotide variant.
Coding change: c.2673C>T on transcript NM_004924.6 (MANE Select); coding-DNA position 2673, C replaced by T.
Protein change: p.Ala891=; no amino-acid change (alanine 891 retained).
Molecular consequence: synonymous variant.
Genome position (GRCh38, 1-based): chr19:38,729,369, C>T. VCF-style: chr19-38729369-C-T. GRCh37 (hg19) VCF-style: chr19-39220009-C-T.
Other names: c.2673C>T (NM_004924.5); c.2658C>T, p.Ala886= (NM_001322033.2).
Identifiers: ClinVar variation 1661531 (VCV001661531.12), dbSNP rs140419295, ClinGen allele CA9418135.